The following is an entry in ClinVar:

ClinVar aggregate classification (germline): Likely pathogenic (1 of 4 stars; one submission).

Conditions:
Intellectual developmental disorder, autosomal dominant 71, with behavioral abnormalities (MRD71). Identifiers: MedGen C5830437, MONDO:0957228, OMIM 620330.

Submission:

Genetics Laboratory, UDIAT-Centre Diagnòstic, Hospital Universitari Parc Tauli
Classification: Likely pathogenic for intellectual developmental disorder, autosomal dominant 71, with behavioral abnormalities. Last evaluated: 2024-01-18. Review status: criteria provided, single submitter. Criteria: ACMG Guidelines, 2015. Collection method: clinical testing. Allele origin: unknown. Inheritance: Autosomal dominant inheritance. Affected: yes.
Comment: PVS1_very strong;PM2_supporting

NM_022841.7(RFX7):c.1464del (p.Lys490fs)

Gene: RFX7 (regulatory factor X7; minus strand). Cytogenetic location: 15q21.3.
Variant type: Deletion.
Coding change: c.1464del on transcript NM_022841.7 (MANE Select); coding-DNA position 1464, one base deleted (T; older notation c.1464delT).
Protein change: p.Lys490fs; shifts the reading frame from lysine 490.
Molecular consequence: frameshift variant.
Genome position (GRCh38, 1-based): chr15:56,096,264, A deleted on the plus strand (T on the coding strand, the reverse complement: RFX7 is on the minus strand). VCF-style (leftmost placement, unchanged base first): chr15-56096263-GA-G. GRCh37 (hg19) VCF-style: chr15-56388461-GA-G.
Other names: c.1173del, p.Lys393fs (NM_001368073.2, NM_001368074.1, NM_001370554.1); c.1464del, p.Lys490fs (NM_001370561.1); short protein forms K393fs, K490fs.
Identifiers: ClinVar variation 3897629 (VCV003897629.1).
Genomic context (GRCh38, chr15:56,096,263, plus strand): 5'-GAACACTCCTTGATTCTTCTGTTGTTCCTGTAGCACTGCTGACTGAGGCAGAATGTTTAA[GA>G]GGGGTGTTACTGTTGCTGGGTGTGAGGGATATTGTTGTCATTTTCACCACATTTAGAGAA-3'